The following is an entry in ClinVar:

NM_001267550.2(TTN):c.72945C>G (p.Tyr24315Ter)

Genes: TTN (titin; minus strand), TTN-AS1 (TTN antisense RNA 1; plus strand). Cytogenetic location: 2q31.2.
Variant type: single nucleotide variant.
Coding change: c.72945C>G on transcript NM_001267550.2 (MANE Select); coding-DNA position 72945, C replaced by G.
Protein change: p.Tyr24315Ter; replaces tyrosine 24315 with a stop codon.
Molecular consequence: nonsense.
Genome position (GRCh38, 1-based): chr2:178,573,187, G>C on the plus strand (C>G on the coding strand, the complement: TTN is on the minus strand). VCF-style: chr2-178573187-G-C. GRCh37 (hg19) VCF-style: chr2-179437914-G-C.
Other names: c.68022C>G, p.Tyr22674Ter (NM_001256850.1); c.45750C>G, p.Tyr15250Ter (NM_003319.4); c.65241C>G, p.Tyr21747Ter (NM_133378.4); c.46125C>G, p.Tyr15375Ter (NM_133432.3); c.46326C>G, p.Tyr15442Ter (NM_133437.4); c.72945C>G (NM_001267550.1); short protein forms Y24315*, Y15250*, Y15375*, Y15442*, Y21747*, Y22674*.
Identifiers: ClinVar variation 950960 (VCV000950960.18), dbSNP rs879087983, ClinGen allele CA349644674.

ClinVar aggregate classification (germline): Pathogenic/Likely pathogenic. Review status: criteria provided, multiple submitters, no conflicts (2 of 4 stars). 4 submissions from 4 submitters: Pathogenic (1); Likely pathogenic (3). Last evaluated 2025-11-29.

Conditions:
Autosomal recessive limb-girdle muscular dystrophy type 2J (LGMDR10). Also called: MUSCULAR DYSTROPHY, LIMB-GIRDLE, AUTOSOMAL RECESSIVE 10; Limb-girdle muscular dystrophy, type 2J. Identifiers: Orphanet 140922, MedGen C1837342, MONDO:0012127, OMIM 608807.
Dilated cardiomyopathy 1G (CMD1G). Identifiers: Orphanet 154, MedGen C1858763, MONDO:0011400, OMIM 604145.
Myopathy, myofibrillar, 9, with early respiratory failure (MFM9). Also called: EDSTROM MYOPATHY; Myopathy, distal, with early respiratory failure, autosomal dominant; MYOPATHY, PROXIMAL, WITH EARLY RESPIRATORY MUSCLE INVOLVEMENT; Hereditary myopathy with early respiratory failure. Identifiers: Orphanet 178464, Orphanet 34521, MedGen C1863599, MONDO:0011362, OMIM 603689.
Tibial muscular dystrophy (TMD). Also called: Tibial muscular dystrophy, tardive; UDD MYOPATHY; Udd Distal Myopathy – Tibial Muscular Dystrophy. Identifiers: Orphanet 609, MedGen C1838244, MONDO:0010870, OMIM 600334.
Early-onset myopathy with fatal cardiomyopathy (CMYO5). Also called: CONGENITAL MYOPATHY 5 WITH CARDIOMYOPATHY; Salih Myopathy. Identifiers: Orphanet 289377, MedGen C2673677, MONDO:0012714, OMIM 611705. Disease mechanism: loss of function.
Hypertrophic cardiomyopathy 9. Also called: Familial hypertrophic cardiomyopathy 9. Identifiers: MedGen C1861065, MONDO:0013412, OMIM 613765.

Allele frequency attached by ClinVar (database versions not stated): gnomAD exomes below 0.00001.
gnomAD v4.1: 2 of 1,610,564 alleles (0.00012%); highest among the groups gnomAD compares: African/African-American, 0.0013%; no homozygotes.

Submissions (4):

Labcorp Genetics (formerly Invitae), Labcorp
Classification: Likely pathogenic for Dilated cardiomyopathy 1G; Autosomal recessive limb-girdle muscular dystrophy type 2J. Last evaluated: 2025-11-29. Review status: criteria provided, single submitter. Criteria: Invitae Variant Classification Sherloc (09022015). Collection method: clinical testing. Allele origin: germline.
Comment: This sequence change creates a premature translational stop signal (p.Tyr24315*) in the TTN gene. While this is not anticipated to result in nonsense mediated decay, it is expected to create a truncated TTN protein. This variant is not present in population databases (gnomAD no frequency). This premature translational stop signal has been observed in individual(s) with peripartum cardiomyopathy (PMID: 26735901). ClinVar contains an entry for this variant (Variation ID: 950960). This variant is located in the A band of TTN (PMID: 25589632). Truncating variants in this region are significantly overrepresented in patients affected with dilated cardiomyopathy (PMID: 25589632). Truncating variants in this region have also been reported in individuals affected with autosomal recessive centronuclear myopathy (PMID: 23975875). In summary, the currently available evidence indicates that the variant is pathogenic, but additional data are needed to prove that conclusively. Therefore, this variant has been classified as Likely Pathogenic.

ARUP Laboratories, Molecular Genetics and Genomics, ARUP Laboratories
Classification: Likely pathogenic. Last evaluated: 2024-04-19. Review status: criteria provided, single submitter. Criteria: ARUP Molecular Germline Variant Investigation Process 2024. Collection method: clinical testing. Allele origin: germline.
Comment: The TTN c.72945C>G; p.Tyr24315Ter variant (rs879087983) is reported in the literature in an individual affected with cardiomyopathy (Ware 2016). This variant is absent from the Genome Aggregation Database (v2.1.1), indicating it is not a common polymorphism. This variant induces an early termination codon and is predicted to result in a truncated protein or mRNA subject to nonsense-mediated decay. This variant is in an exon that is spliced into 100% of TTN transcripts and encodes a segment of the A-band, which is a region that is enriched for pathogenic truncating variants in individuals with dilated cardiomyopathy (Roberts 2015, Herman 2012). Based on available information, this variant is considered to be likely pathogenic. References: Herman DS et al. Truncations of titin causing dilated cardiomyopathy. N Engl J Med. 2012 Feb 16;366(7):619-28. PMID: 22335739. Roberts AM et al. Integrated allelic, transcriptional, and phenomic dissection of the cardiac effects of titin truncations in health and disease. Sci Transl Med. 2015 Jan 14;7(270):270ra6. PMID: 25589632. Ware JS et al. Shared Genetic Predisposition in Peripartum and Dilated Cardiomyopathies. N Engl J Med. 2016 Jan 21;374(3):233-41. PMID: 26735901.

GeneDx
Classification: Pathogenic. Last evaluated: 2024-03-30. Review status: criteria provided, single submitter. Criteria: GeneDx Variant Classification Process June 2021. Collection method: clinical testing. Allele origin: germline. Affected: yes.
Comment: Nonsense variant predicted to result in protein truncation or nonsense mediated decay in a gene for which loss of function is a known mechanism of disease; Located in the A-band region of TTN in which the majority of loss of function variants have been associated with autosomal dominant titinopathies (PMID: 22335739); Not observed at significant frequency in large population cohorts (gnomAD); This variant is associated with the following publications: (PMID: 26735901)

Juno Genomics, Hangzhou Juno Genomics, Inc
Classification: Likely pathogenic for Early-onset myopathy with fatal cardiomyopathy; Dilated cardiomyopathy 1G; Hypertrophic cardiomyopathy 9; Autosomal recessive limb-girdle muscular dystrophy type 2J; Myopathy, myofibrillar, 9, with early respiratory failure; Tibial muscular dystrophy. Review status: criteria provided, single submitter. Criteria: ACMG Guidelines, 2015. Collection method: clinical testing. Allele origin: germline.
Comment: Absent from controls (or at extremely low frequency if recessive) in Genome Aggregation Database.;Null variant in a gene where loss of function (LOF) is a known mechanism of disease.

Literature cited by the submitters: PubMed 26735901 (cited by Labcorp Genetics (formerly Invitae), Labcorp); PubMed 25589632 (cited by Labcorp Genetics (formerly Invitae), Labcorp); PubMed 23975875 (cited by Labcorp Genetics (formerly Invitae), Labcorp).